The following is an entry in ClinVar:

NM_153252.5(BRWD3):c.5020G>A (p.Gly1674Ser)

Gene: BRWD3 (bromodomain and WD repeat domain containing 3; minus strand). Cytogenetic location: Xq21.1.
Variant type: single nucleotide variant.
Coding change: c.5020G>A on transcript NM_153252.5 (MANE Select); coding-DNA position 5020, G replaced by A.
Protein change: p.Gly1674Ser; replaces glycine 1674 with serine.
Molecular consequence: missense variant.
Genome position (GRCh38, 1-based): chrX:80,676,998, C>T on the plus strand (G>A on the coding strand, the complement: BRWD3 is on the minus strand). VCF-style: chrX-80676998-C-T. GRCh37 (hg19) VCF-style: chrX-79932497-C-T.
Other names: short protein forms G1674S.
Identifiers: ClinVar variation 2573875 (VCV002573875.1), dbSNP rs2520199332, ClinGen allele CA413746759.

ClinVar aggregate classification (germline): Uncertain significance (1 of 4 stars; one submission).

Submission:

GeneDx
Classification: Uncertain significance. Last evaluated: 2023-01-23. Review status: criteria provided, single submitter. Criteria: GeneDx Variant Classification Process June 2021. Collection method: clinical testing. Allele origin: germline. Affected: yes.
Comment: Not observed at significant frequency in large population cohorts (gnomAD); In silico analysis supports that this missense variant does not alter protein structure/function; Has not been previously published as pathogenic or benign to our knowledge